The following is an entry in ClinVar:

NM_001257180.2(SLC20A2):c.38G>A (p.Gly13Asp)

Gene: SLC20A2 (solute carrier family 20 member 2; minus strand). Cytogenetic location: 8p11.21.
Variant type: single nucleotide variant.
Coding change: c.38G>A on transcript NM_001257180.2 (MANE Select); coding-DNA position 38, G replaced by A.
Protein change: p.Gly13Asp; replaces glycine 13 with aspartic acid.
Molecular consequence: missense variant.
Genome position (GRCh38, 1-based): chr8:42,472,353, C>T on the plus strand (G>A on the coding strand, the complement: SLC20A2 is on the minus strand). VCF-style: chr8-42472353-C-T. GRCh37 (hg19) VCF-style: chr8-42329871-C-T.
Other names: c.38G>A, p.Gly13Asp (NM_001257181.2, NM_006749.5); short protein forms G13D.
Identifiers: ClinVar variation 1312151 (VCV001312151.3), dbSNP rs778939538, ClinGen allele CA4733665.

ClinVar aggregate classification (germline): Uncertain significance (1 of 4 stars; one submission).

Allele frequency attached by ClinVar (database versions not stated): TOPMed below 0.00001; ExAC 0.00002; gnomAD exomes below 0.00001.
gnomAD v4.1: 2 of 1,614,102 alleles (0.00012%); highest among the groups gnomAD compares: African/African-American, 0.0013%; no homozygotes.

Submission:

GeneDx
Classification: Uncertain significance. Last evaluated: 2026-09-15. Review status: criteria provided, single submitter. Criteria: GeneDx Variant Classification Process June 2021. Collection method: clinical testing. Allele origin: germline.
Comment: In silico analysis supports that this missense variant has a deleterious effect on protein structure/function; Has not been previously published as pathogenic or benign to our knowledge